The following is an entry in ClinVar:

ClinVar aggregate classification (germline): Uncertain significance. Review status: criteria provided, multiple submitters, no conflicts (2 of 4 stars). 2 submissions from 2 submitters: Uncertain significance (2). Last evaluated 2024-10-17.

Conditions:
Inborn genetic diseases. Identifiers: MedGen C0950123, MeSH D030342.

Allele frequency attached by ClinVar (database versions not stated): ExAC 0.00003; gnomAD 0.00005; TOPMed 0.00006.

Submissions (2):

Labcorp Genetics (formerly Invitae), Labcorp
Classification: Uncertain significance. Last evaluated: 2024-10-17. Review status: criteria provided, single submitter. Criteria: Invitae Variant Classification Sherloc (09022015). Collection method: clinical testing. Allele origin: germline.
Comment: This sequence change replaces arginine, which is basic and polar, with cysteine, which is neutral and slightly polar, at codon 483 of the SLC34A3 protein (p.Arg483Cys). This variant is present in population databases (rs567188390, gnomAD 0.005%). This variant has not been reported in the literature in individuals affected with SLC34A3-related conditions. ClinVar contains an entry for this variant (Variation ID: 2411855). Invitae Evidence Modeling of protein sequence and biophysical properties (such as structural, functional, and spatial information, amino acid conservation, physicochemical variation, residue mobility, and thermodynamic stability) indicates that this missense variant is not expected to disrupt SLC34A3 protein function with a negative predictive value of 80%. In summary, the available evidence is currently insufficient to determine the role of this variant in disease. Therefore, it has been classified as a Variant of Uncertain Significance.

Ambry Genetics
Classification: Uncertain significance for Inborn genetic diseases. Last evaluated: 2022-11-21. Review status: criteria provided, single submitter. Criteria: Ambry Variant Classification Scheme 2023. Collection method: clinical testing. Allele origin: germline.

NM_001177316.2(SLC34A3):c.1447C>T (p.Arg483Cys)

Gene: SLC34A3 (solute carrier family 34 member 3; plus strand). Cytogenetic location: 9q34.3.
Variant type: single nucleotide variant.
Coding change: c.1447C>T on transcript NM_001177316.2 (MANE Select); coding-DNA position 1447, C replaced by T.
Protein change: p.Arg483Cys; replaces arginine 483 with cysteine.
Molecular consequence: missense variant.
Genome position (GRCh38, 1-based): chr9:137,236,063, C>T. VCF-style: chr9-137236063-C-T. GRCh37 (hg19) VCF-style: chr9-140130515-C-T.
Other names: c.1447C>T, p.Arg483Cys (NM_001177317.2, NM_080877.3); short protein forms R483C.
Identifiers: ClinVar variation 2411855 (VCV002411855.4), dbSNP rs567188390, ClinGen allele CA5364950.